The following is an entry in ClinVar:

NM_001378120.1(MBD5):c.4207C>A (p.Leu1403Ile)

Gene: MBD5 (methyl-CpG binding domain protein 5; plus strand). Cytogenetic location: 2q23.1.
Variant type: single nucleotide variant.
Coding change: c.4207C>A on transcript NM_001378120.1 (MANE Select); coding-DNA position 4207, C replaced by A.
Protein change: p.Leu1403Ile; replaces leucine 1403 with isoleucine.
Molecular consequence: missense variant.
Genome position (GRCh38, 1-based): chr2:148,489,839, C>A. VCF-style: chr2-148489839-C-A. GRCh37 (hg19) VCF-style: chr2-149247408-C-A.
Other names: c.4207C>A, p.Leu1403Ile (NM_001438854.1, NM_001438856.1, NM_001438857.1 and 1 more transcripts); c.3508C>A, p.Leu1170Ile (NM_001438855.1, NM_001438859.1, NM_001438860.1 and 3 more transcripts); short protein forms L1170I, L1403I.
Identifiers: ClinVar variation 4690156 (VCV004690156.1).

ClinVar aggregate classification (germline): Uncertain significance (1 of 4 stars; one submission).

Submission:

GeneDx
Classification: Uncertain significance. Last evaluated: 2025-07-31. Review status: criteria provided, single submitter. Criteria: GeneDx Variant Classification Process June 2021. Collection method: clinical testing. Allele origin: germline. Affected: yes.
Comment: Not observed at significant frequency in large population cohorts (gnomAD); In silico analysis suggests that this missense variant does not alter protein structure/function; Has not been previously published as pathogenic or benign to our knowledge